The following is an entry in ClinVar:

ClinVar aggregate classification (germline): Uncertain significance. Review status: criteria provided, multiple submitters, no conflicts (2 of 4 stars). 2 submissions from 2 submitters: Uncertain significance (2). Last evaluated 2024-08-04.

Conditions:
Tuberous sclerosis 2 (TSC2). Identifiers: Orphanet 805, MedGen C1860707, MONDO:0013199, OMIM 613254.
Hereditary cancer-predisposing syndrome. Also called: Neoplastic Syndromes, Hereditary; Hereditary Cancer Syndrome; Tumor predisposition; Hereditary neoplastic syndrome. Identifiers: Orphanet 140162, MedGen C0027672, MeSH D009386, MONDO:0015356.

Submissions (2):

Labcorp Genetics (formerly Invitae), Labcorp
Classification: Uncertain significance for Tuberous sclerosis 2. Last evaluated: 2024-08-04. Review status: criteria provided, single submitter. Criteria: Invitae Variant Classification Sherloc (09022015). Collection method: clinical testing. Allele origin: germline.
Comment: This sequence change replaces leucine, which is neutral and non-polar, with valine, which is neutral and non-polar, at codon 539 of the TSC2 protein (p.Leu539Val). This variant is not present in population databases (gnomAD no frequency). This variant has not been reported in the literature in individuals affected with TSC2-related conditions. ClinVar contains an entry for this variant (Variation ID: 1434060). Advanced modeling of protein sequence and biophysical properties (such as structural, functional, and spatial information, amino acid conservation, physicochemical variation, residue mobility, and thermodynamic stability) performed at Invitae indicates that this missense variant is not expected to disrupt TSC2 protein function with a negative predictive value of 95%. In summary, the available evidence is currently insufficient to determine the role of this variant in disease. Therefore, it has been classified as a Variant of Uncertain Significance.

Ambry Genetics
Classification: Uncertain significance for Hereditary cancer-predisposing syndrome. Last evaluated: 2024-07-15. Review status: criteria provided, single submitter. Criteria: Ambry Variant Classification Scheme 2023. Collection method: clinical testing. Allele origin: germline.
Comment: The p.L539V variant (also known as c.1615C>G), located in coding exon 15 of the TSC2 gene, results from a C to G substitution at nucleotide position 1615. The leucine at codon 539 is replaced by valine, an amino acid with highly similar properties. This amino acid position is conserved. In addition, the in silico prediction for this alteration is inconclusive. Based on the available evidence, the clinical significance of this variant remains unclear.

NM_000548.5(TSC2):c.1615C>G (p.Leu539Val)

Gene: TSC2 (TSC complex subunit 2; plus strand). Cytogenetic location: 16p13.3.
Variant type: single nucleotide variant.
Coding change: c.1615C>G on transcript NM_000548.5 (MANE Select); coding-DNA position 1615, C replaced by G.
Protein change: p.Leu539Val; replaces leucine 539 with valine.
Molecular consequence: missense variant.
Genome position (GRCh38, 1-based): chr16:2,065,534, C>G. VCF-style: chr16-2065534-C-G. GRCh37 (hg19) VCF-style: chr16-2115535-C-G.
Other names: c.1615C>G, p.Leu539Val (NM_001077183.3, NM_001114382.3, NM_001363528.2 and 3 more transcripts); c.1504C>G, p.Leu502Val (NM_001318827.2); c.1468C>G, p.Leu490Val (NM_001318829.2); c.1015C>G, p.Leu339Val (NM_001318831.2); c.1648C>G, p.Leu550Val (NM_001318832.2); c.1615C>G (NM_000548.3); short protein forms L339V, L490V, L539V, L550V, L502V.
Identifiers: ClinVar variation 1434060 (VCV001434060.7), dbSNP rs2087226024, ClinGen allele CA394267641.
Genomic context (GRCh38, chr16:2,065,534, plus strand): 5'-TCAGAACCATGAGCCTGTGTGTAAGTCCTGGCCTTCTCTTCAAAGGTGATGGCCCGCTCC[C>G]TCTCCCCACCCCCGGAGCTGGAAGAAAGGGATGTGGCCGCATACTCGGCCTCCTTGGAGG-3'
Protein context (NP_000539.2, residues 529-549): DIIEKVMARS[Leu539Val]SPPPELEERD